The following is an entry in ClinVar:

NM_005055.5(RAPSN):c.490C>G (p.Arg164Gly)

Gene: RAPSN (receptor associated protein of the synapse; minus strand). Cytogenetic location: 11p11.2.
Variant type: single nucleotide variant.
Coding change: c.490C>G on transcript NM_005055.5 (MANE Select); coding-DNA position 490, C replaced by G.
Protein change: p.Arg164Gly; replaces arginine 164 with glycine.
Molecular consequence: missense variant.
Genome position (GRCh38, 1-based): chr11:47,447,853, G>C on the plus strand (C>G on the coding strand, the complement: RAPSN is on the minus strand). VCF-style: chr11-47447853-G-C. GRCh37 (hg19) VCF-style: chr11-47469405-G-C.
Other names: c.490C>G, p.Arg164Gly (NM_032645.5); short protein forms R164G.
Identifiers: ClinVar variation 1417647 (VCV001417647.7), dbSNP rs104894294, ClinGen allele CA380333737.

ClinVar aggregate classification (germline): Pathogenic/Likely pathogenic. Review status: criteria provided, multiple submitters, no conflicts (2 of 4 stars). 2 submissions from 2 submitters: Pathogenic (1); Likely pathogenic (1). Last evaluated 2024-10-25.

Conditions:
Congenital myasthenic syndrome 11. Also called: MYASTHENIC SYNDROME, CONGENITAL, Ie; Myasthenic syndrome, congenital, 11, associated with acetylcholine receptor deficiency. Identifiers: Orphanet 590, MedGen C4225367, MONDO:0014588, OMIM 616326.
Fetal akinesia deformation sequence 1 (FADS1). Also called: Pena-Shokeir syndrome type I; Fetal akinesia sequence. Identifiers: Orphanet 994, MedGen C1276035, MONDO:0100101, OMIM 208150, HP:0001989.
Congenital myasthenic syndrome (CMS). Also called: Congenital Myasthenic Syndromes. Identifiers: Orphanet 590, MedGen C0751882, MeSH D020294, MONDO:0018940.

Submissions (2):

Women's Health and Genetics/Laboratory Corporation of America, LabCorp
Classification: Likely pathogenic for Congenital myasthenic syndrome. Last evaluated: 2024-10-25. Review status: criteria provided, single submitter. Criteria: LabCorp Variant Classification Summary - May 2015. Collection method: clinical testing. Allele origin: germline.
Comment: Variant summary: RAPSN c.490C>G (p.Arg164Gly) results in a non-conservative amino acid change in the encoded protein sequence. Three of five in-silico tools predict a damaging effect of the variant on protein function. The variant was absent in 247670 control chromosomes. c.490C>G has been reported in the literature in a compound heterozygous individual affected with Congenital Myasthenic Syndrome (Estephan_2022). This variant has also been observed in compound heterozygous individual(s) with Congenital Myasthenic Syndrome. In addition, a different amino acid change at the same codon (c.490C>T, p.Arg164Cys) has been reported in multiple individuals with Congenital Myasthenic Syndrome (PMID: 16931511, 32070632, 32528171, 34106991). These data indicate that the variant is likely to be associated with disease. To our knowledge, no experimental evidence demonstrating an impact on protein function has been reported. The following publications have been ascertained in the context of this evaluation (PMID: 34749429, Invitae). ClinVar contains an entry for this variant (Variation ID: 1417647). Based on the evidence outlined above, the variant was classified as likely pathogenic.

Labcorp Genetics (formerly Invitae), Labcorp
Classification: Pathogenic for Congenital myasthenic syndrome 11; Fetal akinesia deformation sequence 1. Last evaluated: 2022-10-13. Review status: criteria provided, single submitter. Criteria: Invitae Variant Classification Sherloc (09022015). Collection method: clinical testing. Allele origin: germline.
Comment: This variant disrupts the p.Arg164 amino acid residue in RAPSN. Other variant(s) that disrupt this residue have been observed in individuals with RAPSN-related conditions (PMID: 16931511, 19620612, 27966543, 32070632), which suggests that this may be a clinically significant amino acid residue. For these reasons, this variant has been classified as Pathogenic. This sequence change replaces arginine, which is basic and polar, with glycine, which is neutral and non-polar, at codon 164 of the RAPSN protein (p.Arg164Gly). This variant is not present in population databases (gnomAD no frequency). This missense change has been observed in individual(s) with clinical features of congenital myasthenic syndrome (Invitae). In at least one individual the data is consistent with being in trans (on the opposite chromosome) from a pathogenic variant. ClinVar contains an entry for this variant (Variation ID: 1417647). Advanced modeling of protein sequence and biophysical properties (such as structural, functional, and spatial information, amino acid conservation, physicochemical variation, residue mobility, and thermodynamic stability) performed at Invitae indicates that this missense variant is not expected to disrupt RAPSN protein function.

Literature cited by the submitters: PubMed 34749429 (cited by Women's Health and Genetics/Laboratory Corporation of America, LabCorp); PubMed 16931511 (cited by Labcorp Genetics (formerly Invitae), Labcorp); PubMed 19620612 (cited by Labcorp Genetics (formerly Invitae), Labcorp); PubMed 27966543 (cited by Labcorp Genetics (formerly Invitae), Labcorp); PubMed 32070632 (cited by Labcorp Genetics (formerly Invitae), Labcorp).